The following is an entry in ClinVar:

NM_001135024.2(PDHX):c.-27C>G

Gene: PDHX (pyruvate dehydrogenase complex component X; plus strand). Cytogenetic location: 11p13.
Variant type: single nucleotide variant.
Coding change: c.-27C>G on transcript NM_001135024.2; 27 bases upstream of the start codon, C replaced by G.
Molecular consequence: 5 prime UTR variant.
Genome position (GRCh38, 1-based): chr11:34,916,480, C>G. VCF-style: chr11-34916480-C-G. GRCh37 (hg19) VCF-style: chr11-34938027-C-G.
Identifiers: ClinVar variation 4985110 (VCV004985110.1).

ClinVar aggregate classification (germline): Uncertain significance (1 of 4 stars; one submission).

Conditions:
PDHX-related disorder. Also called: PDHX-related condition.

gnomAD v4.1: 11 of 1,459,586 alleles (0.00075%); highest among the groups gnomAD compares: African/African-American, 0.014%; no homozygotes.

Submission:

PreventionGenetics, part of Exact Sciences
Classification: Uncertain significance for PDHX-related condition. Last evaluated: 2025-01-11. Review status: criteria provided, single submitter. Criteria: ACMG Guidelines, 2015. Collection method: clinical testing. Allele origin: germline.
Comment: The PDHX c.109C>G variant is predicted to result in the amino acid substitution p.Pro37Ala. To our knowledge, this variant has not been reported in the literature. This variant is present in 0.0% of alleles in individuals of African descent in gnomAD. At this time, the clinical significance of this variant is uncertain due to the absence of conclusive functional and genetic evidence.